The following is an entry in ClinVar:

NM_015488.5(PNKD):c.1012T>C (p.Ser338Pro)

Genes: CATIP-AS2 (CATIP antisense RNA 2; minus strand), PNKD (PNKD metallo-beta-lactamase domain containing; plus strand). Cytogenetic location: 2q35.
Variant type: single nucleotide variant.
Coding change: c.1012T>C on transcript NM_015488.5 (MANE Select); coding-DNA position 1012, T replaced by C.
Protein change: p.Ser338Pro; replaces serine 338 with proline.
Molecular consequence: missense variant.
Genome position (GRCh38, 1-based): chr2:218,344,835, T>C. VCF-style: chr2-218344835-T-C. GRCh37 (hg19) VCF-style: chr2-219209558-T-C.
Other names: c.940T>C, p.Ser314Pro (NM_022572.5); short protein forms S314P, S338P.
Identifiers: ClinVar variation 2911146 (VCV002911146.3), dbSNP rs1380264604, ClinGen allele CA350543534.

ClinVar aggregate classification (germline): Uncertain significance (1 of 4 stars; one submission).

Conditions:
Paroxysmal nonkinesigenic dyskinesia. Also called: Paroxysmal non-kinesigenic dyskinesia. Identifiers: Orphanet 98810, MedGen C1869117, MONDO:0700088.

Allele frequency attached by ClinVar (database versions not stated): gnomAD exomes below 0.00001; TOPMed below 0.00001.
gnomAD v4.1: 3 of 1,613,850 alleles (0.00019%); highest among the groups gnomAD compares: Middle Eastern, 0.017%; no homozygotes.

Submission:

Labcorp Genetics (formerly Invitae), Labcorp
Classification: Uncertain significance for Paroxysmal nonkinesigenic dyskinesia. Last evaluated: 2023-09-15. Review status: criteria provided, single submitter. Criteria: Invitae Variant Classification Sherloc (09022015). Collection method: clinical testing. Allele origin: germline.
Comment: This sequence change replaces serine, which is neutral and polar, with proline, which is neutral and non-polar, at codon 338 of the PNKD protein (p.Ser338Pro). This variant is present in population databases (no rsID available, gnomAD 0.0009%). This variant has not been reported in the literature in individuals affected with PNKD-related conditions. Advanced modeling of protein sequence and biophysical properties (such as structural, functional, and spatial information, amino acid conservation, physicochemical variation, residue mobility, and thermodynamic stability) performed at Invitae indicates that this missense variant is not expected to disrupt PNKD protein function. In summary, the available evidence is currently insufficient to determine the role of this variant in disease. Therefore, it has been classified as a Variant of Uncertain Significance.